The following is an entry in ClinVar:

ClinVar aggregate classification (germline): Uncertain significance (1 of 4 stars; one submission).

Allele frequency attached by ClinVar (database versions not stated): gnomAD 0.00001.
gnomAD v4.1: 2 of 1,599,242 alleles (0.00013%); highest among the groups gnomAD compares: South Asian, 0.0022%; no homozygotes.

Submission:

Labcorp Genetics (formerly Invitae), Labcorp
Classification: Uncertain significance. Last evaluated: 2023-08-04. Review status: criteria provided, single submitter. Criteria: Invitae Variant Classification Sherloc (09022015). Collection method: clinical testing. Allele origin: germline.
Comment: This variant is present in population databases (no rsID available, gnomAD 0.003%). In summary, the available evidence is currently insufficient to determine the role of this variant in disease. Therefore, it has been classified as a Variant of Uncertain Significance. Algorithms developed to predict the effect of sequence changes on RNA splicing suggest that this variant is not likely to affect RNA splicing. ClinVar contains an entry for this variant (Variation ID: 2115427). This variant has not been reported in the literature in individuals affected with PDE6B-related conditions. This sequence change affects codon 611 of the PDE6B mRNA. It is a 'silent' change, meaning that it does not change the encoded amino acid sequence of the PDE6B protein. It affects a nucleotide within the consensus splice site.

NM_000283.4(PDE6B):c.1833G>A (p.Lys611=)

Gene: PDE6B (phosphodiesterase 6B; plus strand). Cytogenetic location: 4p16.3.
Variant type: single nucleotide variant.
Coding change: c.1833G>A on transcript NM_000283.4 (MANE Select); coding-DNA position 1833, G replaced by A.
Protein change: p.Lys611=; no amino-acid change (lysine 611 retained).
Molecular consequence: synonymous variant.
Genome position (GRCh38, 1-based): chr4:663,100, G>A. VCF-style: chr4-663100-G-A. GRCh37 (hg19) VCF-style: chr4-656889-G-A.
Other names: c.1833G>A, p.Lys611= (NM_001145291.2); c.996G>A, p.Lys332= (NM_001145292.2, NM_001350154.3, NM_001379246.1 and 1 more transcripts); c.678G>A, p.Lys226= (NM_001350155.3).
Identifiers: ClinVar variation 2115427 (VCV002115427.4), dbSNP rs1444045851, ClinGen allele CA437900402.